The following is an entry in ClinVar:

NM_001127208.3(TET2):c.376G>A (p.Gly126Arg)

Genes: TET2 (tet methylcytosine dioxygenase 2; plus strand), TET2-AS1 (TET2 antisense RNA 1; minus strand). Cytogenetic location: 4q24.
Variant type: single nucleotide variant.
Coding change: c.376G>A on transcript NM_001127208.3 (MANE Select); coding-DNA position 376, G replaced by A.
Protein change: p.Gly126Arg; replaces glycine 126 with arginine.
Molecular consequence: missense variant.
Genome position (GRCh38, 1-based): chr4:105,234,318, G>A. VCF-style: chr4-105234318-G-A. GRCh37 (hg19) VCF-style: chr4-106155475-G-A.
Other names: c.376G>A, p.Gly126Arg (NM_017628.4); short protein forms G126R.
Identifiers: ClinVar variation 2083650 (VCV002083650.4), dbSNP rs768227565, ClinGen allele CA3031482.

ClinVar aggregate classification (germline): Uncertain significance (1 of 4 stars; one submission).

Allele frequency attached by ClinVar (database versions not stated): gnomAD 0.00001; ExAC 0.00007; TOPMed 0.00011.
gnomAD v4.1: 19 of 1,613,924 alleles (0.0012%); highest among the groups gnomAD compares: Admixed American, 0.022%; no homozygotes.

Submission:

Labcorp Genetics (formerly Invitae), Labcorp
Classification: Uncertain significance. Last evaluated: 2025-12-05. Review status: criteria provided, single submitter. Criteria: Invitae Variant Classification Sherloc (09022015). Collection method: clinical testing. Allele origin: germline.
Comment: This sequence change replaces glycine, which is neutral and non-polar, with arginine, which is basic and polar, at codon 126 of the TET2 protein (p.Gly126Arg). This variant is present in population databases (rs768227565, gnomAD 0.04%). This variant has not been reported in the literature in individuals affected with TET2-related conditions. ClinVar contains an entry for this variant (Variation ID: 2083650). An algorithm developed to predict the effect of missense changes on protein structure and function outputs the following: PolyPhen-2: "Benign". The arginine amino acid residue is found in multiple mammalian species, which suggests that this missense change does not adversely affect protein function. In summary, the available evidence is currently insufficient to determine the role of this variant in disease. Therefore, it has been classified as a Variant of Uncertain Significance.